The following is an entry in ClinVar:

ClinVar aggregate classification (germline): Benign/Likely benign. Review status: criteria provided, multiple submitters, no conflicts (2 of 4 stars). 10 submissions from 10 submitters: Benign (7); Likely benign (1). 2 of the submissions do not count toward it. Last evaluated 2026-02-04.

Conditions:
Deficiency of adenosine deaminase 2. Also called: Adenosine Deaminase 2 Deficiency; Polyarteritis nodosa, childhoood-onset; VASCULITIS, AUTOINFLAMMATION, IMMUNODEFICIENCY, AND HEMATOLOGIC DEFECTS SYNDROME. Identifiers: Orphanet 404553, MedGen C3887654, MONDO:0014306, OMIM 615688, MONDO:0100317.

Allele frequency attached by ClinVar (database versions not stated): 1000 Genomes Project 30x 0.19176; 1000 Genomes Project 0.19189; gnomAD exomes 0.25578 and 0.31018; ExAC 0.25647; TOPMed 0.26803; gnomAD 0.27929 and 0.28593; ESP Exome Variant Server 0.30209.
gnomAD v4.1: 494,735 of 1,613,476 alleles (31%); highest among the groups gnomAD compares: Non-Finnish European, 34%; 80,050 homozygotes.

Submissions (10):

Labcorp Genetics (formerly Invitae), Labcorp
Classification: Benign for Deficiency of adenosine deaminase 2. Last evaluated: 2026-02-04. Review status: criteria provided, single submitter. Criteria: Invitae Variant Classification Sherloc (09022015). Collection method: clinical testing. Allele origin: germline.

Women's Health and Genetics/Laboratory Corporation of America, LabCorp
Classification: Benign. Last evaluated: 2026-01-21. Review status: criteria provided, single submitter. Criteria: LabCorp Variant Classification Summary - May 2015. Collection method: clinical testing. Allele origin: germline.

Blueprint Genetics
Classification: Likely benign. Last evaluated: 2024-11-28. Review status: criteria provided, single submitter. Criteria: ACMG Guidelines, 2015. Collection method: clinical testing. Allele origin: germline.

Unidad de Genómica Garrahan, Hospital de Pediatría Garrahan
Classification: Benign. Last evaluated: 2023-11-12. Review status: criteria provided, single submitter. Criteria: ACMG Guidelines, 2015. Collection method: clinical testing. Allele origin: germline. Affected: no. Observed: 33 variant alleles.
Comment: This variant is classified as Benign based on local population frequency. This variant was detected in 34% of patients studied by a panel of primary immunodeficiencies. Number of patients: 33. Only high quality variants are reported.

Mayo Clinic Laboratories, Mayo Clinic
Classification: Benign. Last evaluated: 2022-04-26. Review status: criteria provided, single submitter. Criteria: ACMG Guidelines, 2015. Collection method: clinical testing. Allele origin: germline. Observed: 552 variant alleles.

GeneDx
Classification: Benign. Last evaluated: 2021-05-04. Review status: criteria provided, single submitter. Criteria: GeneDx Variant Classification Process June 2021. Collection method: clinical testing. Allele origin: germline. Affected: yes.

Laboratory for Molecular Medicine, Mass General Brigham Personalized Medicine
Classification: Benign. Last evaluated: 2016-03-29. Review status: criteria provided, single submitter. Criteria: LMM Criteria. Collection method: clinical testing. Allele origin: germline.
Comment: Variant identified in a genome or exome case(s) and assessed due to predicted null impact of the variant or pathogenic assertions in the literature or databases. Disclaimer: This variant has not undergone full assessment. The following are preliminary notes: Frequency

Breakthrough Genomics
Classification: Benign. Review status: criteria provided, single submitter. Criteria: ACMG Guidelines, 2015. Collection method: not provided. Allele origin: germline. Inheritance: Autosomal recessive inheritance. Affected: yes.

Genome Diagnostics Laboratory, University Medical Center Utrecht
Classification: Benign. Review status: no assertion criteria provided. Collection method: clinical testing. Allele origin: germline. Affected: yes. Study: VKGL Data-share Consensus. Not counted in ClinVar's aggregate classification.

Joint Genome Diagnostic Labs from Nijmegen and Maastricht, Radboudumc and MUMC+
Classification: Benign. Review status: no assertion criteria provided. Collection method: clinical testing. Allele origin: germline. Affected: yes. Study: VKGL Data-share Consensus. Not counted in ClinVar's aggregate classification.

NM_001282225.2(ADA2):c.1359T>C (p.Tyr453=)

Gene: ADA2 (adenosine deaminase 2; minus strand). Cytogenetic location: 22q11.1.
Variant type: single nucleotide variant.
Coding change: c.1359T>C on transcript NM_001282225.2 (MANE Select); coding-DNA position 1359, T replaced by C.
Protein change: p.Tyr453=; no amino-acid change (tyrosine 453 retained).
Molecular consequence: synonymous variant.
Genome position (GRCh38, 1-based): chr22:17,181,903, A>G on the plus strand (T>C on the coding strand, the complement: ADA2 is on the minus strand). VCF-style: chr22-17181903-A-G. GRCh37 (hg19) VCF-style: chr22-17662793-A-G.
Other names: p.Tyr453=; c.1359T>C, p.Tyr453= (NM_001282226.2); c.1233T>C, p.Tyr411= (NM_001282227.2, NM_001282228.2); c.999T>C, p.Tyr333= (NM_001282229.2); c.636T>C, p.Tyr212= (NM_177405.3).
Identifiers: ClinVar variation 402527 (VCV000402527.23), dbSNP rs7289170, ClinGen allele CA10087891.